The following is an entry in ClinVar:

NM_005251.3(FOXC2):c.1000C>T (p.Arg334Ter)

Gene: FOXC2 (forkhead box C2; plus strand). Cytogenetic location: 16q24.1.
Variant type: single nucleotide variant.
Coding change: c.1000C>T on transcript NM_005251.3 (MANE Select); coding-DNA position 1000, C replaced by T.
Protein change: p.Arg334Ter; replaces arginine 334 with a stop codon.
Molecular consequence: nonsense.
Genome position (GRCh38, 1-based): chr16:86,568,335, C>T. VCF-style: chr16-86568335-C-T. GRCh37 (hg19) VCF-style: chr16-86601941-C-T.
Other names: short protein forms R334*.
Identifiers: ClinVar variation 3662000 (VCV003662000.2).

ClinVar aggregate classification (germline): Uncertain significance (1 of 4 stars; one submission).

Submission:

Labcorp Genetics (formerly Invitae), Labcorp
Classification: Uncertain significance. Last evaluated: 2025-01-15. Review status: criteria provided, single submitter. Criteria: Invitae Variant Classification Sherloc (09022015). Collection method: clinical testing. Allele origin: germline.
Comment: This sequence change creates a premature translational stop signal (p.Arg334*) in the FOXC2 gene. While this is not anticipated to result in nonsense mediated decay, it is expected to disrupt the last 168 amino acid(s) of the FOXC2 protein. This variant is not present in population databases (gnomAD no frequency). This premature translational stop signal has been observed in individual(s) with clinical features of lymphedema-distichiasis syndrome (external communication). This variant disrupts a region of the FOXC2 protein in which other variant(s) (p.Ala353Argfs*110) have been observed in individuals with FOXC2-related conditions (internal data). This suggests that this is a clinically significant region of the protein, and that variants that disrupt it are likely to be disease-causing. In summary, the available evidence is currently insufficient to determine the role of this variant in disease. Therefore, it has been classified as a Variant of Uncertain Significance.